The following is an entry in ClinVar:

NM_000660.7(TGFB1):c.939G>T (p.Glu313Asp)

Gene: TGFB1 (transforming growth factor beta 1; minus strand). Cytogenetic location: 19q13.2.
Variant type: single nucleotide variant.
Coding change: c.939G>T on transcript NM_000660.7 (MANE Select); coding-DNA position 939, G replaced by T.
Protein change: p.Glu313Asp; replaces glutamic acid 313 with aspartic acid.
Molecular consequence: missense variant.
Genome position (GRCh38, 1-based): chr19:41,332,203, C>A on the plus strand (G>T on the coding strand, the complement: TGFB1 is on the minus strand). VCF-style: chr19-41332203-C-A. GRCh37 (hg19) VCF-style: chr19-41838108-C-A.
Other names: short protein forms E313D.
Identifiers: ClinVar variation 2148803 (VCV002148803.3), dbSNP rs200763912, ClinGen allele CA308562858.
Genomic context (GRCh38, chr19:41,332,203, plus strand): 5'-GTCCAGGCTCCAAATGTAGGGGCAGGGCCCGAGGCAGAAGTTGGCATGGTAGCCCTTGGG[C>A]TCGTGGATCCACTTCCAGCCGAGGTCCTTGCGGAAGTCAATGTACAGCTGCCGCACGCAG-3'
Protein context (NP_000651.3, residues 303-323): RKDLGWKWIH[Glu313Asp]PKGYHANFCL

ClinVar aggregate classification (germline): Uncertain significance. Review status: criteria provided, multiple submitters, no conflicts (2 of 4 stars). 2 submissions from 2 submitters: Uncertain significance (2). Last evaluated 2025-05-12.

Allele frequency attached by ClinVar (database versions not stated): gnomAD 0.00001; TOPMed 0.00001; gnomAD exomes 0.00004.

Submissions (2):

Labcorp Genetics (formerly Invitae), Labcorp
Classification: Uncertain significance. Last evaluated: 2025-05-12. Review status: criteria provided, single submitter. Criteria: Invitae Variant Classification Sherloc (09022015). Collection method: clinical testing. Allele origin: germline.
Comment: This sequence change replaces glutamic acid, which is acidic and polar, with aspartic acid, which is acidic and polar, at codon 313 of the TGFB1 protein (p.Glu313Asp). This variant is present in population databases (rs200763912, gnomAD 0.003%). This variant has not been reported in the literature in individuals affected with TGFB1-related conditions. ClinVar contains an entry for this variant (Variation ID: 2148803). Invitae Evidence Modeling of protein sequence and biophysical properties (such as structural, functional, and spatial information, amino acid conservation, physicochemical variation, residue mobility, and thermodynamic stability) indicates that this missense variant is expected to disrupt TGFB1 protein function with a positive predictive value of 80%. In summary, the available evidence is currently insufficient to determine the role of this variant in disease. Therefore, it has been classified as a Variant of Uncertain Significance.

Blueprint Genetics
Classification: Uncertain significance. Last evaluated: 2024-11-07. Review status: criteria provided, single submitter. Criteria: ACMG Guidelines, 2015. Collection method: clinical testing. Allele origin: germline.